The following is an entry in ClinVar:

ClinVar aggregate classification (germline): Uncertain significance (1 of 4 stars; one submission).

Conditions:
Hereditary cancer-predisposing syndrome. Also called: Neoplastic Syndromes, Hereditary; Tumor predisposition; Hereditary Cancer Syndrome; Hereditary neoplastic syndrome. Identifiers: Orphanet 140162, MedGen C0027672, MeSH D009386, MONDO:0015356.

gnomAD v4.1: 1 of 1,614,104 alleles (0.000062%); highest among the groups gnomAD compares: Non-Finnish European, 0.000085%; no homozygotes.

Submission:

Ambry Genetics
Classification: Uncertain significance for Hereditary cancer-predisposing syndrome. Last evaluated: 2025-01-07. Review status: criteria provided, single submitter. Criteria: Ambry Variant Classification Scheme 2023. Collection method: clinical testing. Allele origin: germline.
Comment: The p.G1094E variant (also known as c.3281G>A), located in coding exon 15 of the APC gene, results from a G to A substitution at nucleotide position 3281. The glycine at codon 1094 is replaced by glutamic acid, an amino acid with similar properties. This amino acid position is well conserved in available vertebrate species. In addition, in silico predictors for this gene do not accurately predict pathogenicity. Missense alterations in APC are not a common cause of disease (Spier I et al. Genet Med. 2024 Feb;26(2):100992). Based on the available evidence, the clinical significance of this variant remains unclear.

NM_000038.6(APC):c.3281G>A (p.Gly1094Glu)

Gene: APC (APC regulator of Wnt signaling pathway; plus strand). Cytogenetic location: 5q22.2.
Variant type: single nucleotide variant.
Coding change: c.3281G>A on transcript NM_000038.6 (MANE Select); coding-DNA position 3281, G replaced by A.
Protein change: p.Gly1094Glu; replaces glycine 1094 with glutamic acid.
Molecular consequence: missense variant.
Genome position (GRCh38, 1-based): chr5:112,838,875, G>A. VCF-style: chr5-112838875-G-A. GRCh37 (hg19) VCF-style: chr5-112174572-G-A.
Other names: c.3008G>A, p.Gly1003Glu (NM_001354902.2); c.2978G>A, p.Gly993Glu (NM_001354903.2, NM_001407458.1, NM_001407459.1 and 1 more transcripts); c.2903G>A, p.Gly968Glu (NM_001354904.2); c.2801G>A, p.Gly934Glu (NM_001354905.2); c.2432G>A, p.Gly811Glu (NM_001354906.2, NM_001407470.1); c.3365G>A, p.Gly1122Glu (NM_001407446.1); c.3335G>A, p.Gly1112Glu (NM_001407447.1, NM_001407448.1, NM_001407449.1 and 1 more transcripts); c.3260G>A, p.Gly1087Glu (NM_001407451.1); and 11 more; short protein forms G1003E, G1035E, G1104E, G934E, G1053E, G1087E, G1094E, G1112E.
Identifiers: ClinVar variation 1729747 (VCV001729747.3), dbSNP rs1554084898, ClinGen allele CA16028536.
Genomic context (GRCh38, chr5:112,838,875, plus strand): 5'-CTTATCCTGTTTATACTGAGAGCACTGATGATAAACACCTCAAGTTCCAACCACATTTTG[G>A]ACAGCAGGAATGTGTTTCTCCATACAGGTCACGGGGAGCCAATGGTTCAGAAACAAATCG-3'
Protein context (NP_000029.2, residues 1084-1104): DKHLKFQPHF[Gly1094Glu]QQECVSPYRS